The following is an entry in ClinVar:

NM_024409.4(NPPC):c.334G>C (p.Gly112Arg)

Genes: NPPC (natriuretic peptide C; minus strand), LOC129935852 (ATAC-STARR-seq lymphoblastoid silent region 12452; plus strand). Cytogenetic location: 2q37.1.
Variant type: single nucleotide variant.
Coding change: c.334G>C on transcript NM_024409.4 (MANE Select); coding-DNA position 334, G replaced by C.
Protein change: p.Gly112Arg; replaces glycine 112 with arginine.
Molecular consequence: missense variant.
Genome position (GRCh38, 1-based): chr2:231,925,472, C>G on the plus strand (G>C on the coding strand, the complement: NPPC is on the minus strand). VCF-style: chr2-231925472-C-G. GRCh37 (hg19) VCF-style: chr2-232790182-C-G.
Other names: short protein forms G112R.
Identifiers: ClinVar variation 3641575 (VCV003641575.2).
Genomic context (GRCh38, chr2:231,925,472, plus strand): 5'-AGGGGGCGCCGCACTAACATCCCAGGCCGCTCATGGAGCCGATTCGGTCCAGCTTGAGGC[C>G]GAAGCAGCCCTTGGACAAGCCCTTCTTGTTGGCTCCTTTGTATTTGCGCGCGTTGGGGTG-3'
Protein context (NP_077720.1, residues 102-122): NKKGLSKGCF[Gly112Arg]LKLDRIGSMS

ClinVar aggregate classification (germline): Uncertain significance (1 of 4 stars; one submission).

gnomAD v4.1: 1 of 1,612,428 alleles (0.000062%); highest among the groups gnomAD compares: South Asian, 0.0011%; no homozygotes.

Submission:

Labcorp Genetics (formerly Invitae), Labcorp
Classification: Uncertain significance. Last evaluated: 2024-02-17. Review status: criteria provided, single submitter. Criteria: Invitae Variant Classification Sherloc (09022015). Collection method: clinical testing. Allele origin: germline.
Comment: This sequence change replaces glycine, which is neutral and non-polar, with arginine, which is basic and polar, at codon 112 of the NPPC protein (p.Gly112Arg). This variant is not present in population databases (gnomAD no frequency). This variant has not been reported in the literature in individuals affected with NPPC-related conditions. An algorithm developed to predict the effect of missense changes on protein structure and function (PolyPhen-2) suggests that this variant is likely to be disruptive. In summary, the available evidence is currently insufficient to determine the role of this variant in disease. Therefore, it has been classified as a Variant of Uncertain Significance.